The following is an entry in ClinVar:

ClinVar aggregate classification (germline): Uncertain significance (1 of 4 stars; one submission).

Submission:

GeneDx
Classification: Uncertain significance. Last evaluated: 2022-10-10. Review status: criteria provided, single submitter. Criteria: GeneDx Variant Classification Process June 2021. Collection method: clinical testing. Allele origin: germline. Affected: yes.
Comment: Not observed at significant frequency in large population cohorts (gnomAD); In silico analysis supports that this missense variant does not alter protein structure/function; Has not been previously published as pathogenic or benign to our knowledge

NM_001374828.1(ARID1B):c.6874A>G (p.Met2292Val)

Gene: ARID1B (AT-rich interaction domain 1B; plus strand). Cytogenetic location: 6q25.3.
Variant type: single nucleotide variant.
Coding change: c.6874A>G on transcript NM_001374828.1 (MANE Select); coding-DNA position 6874, A replaced by G.
Protein change: p.Met2292Val; replaces methionine 2292 with valine.
Molecular consequence: missense variant.
Genome position (GRCh38, 1-based): chr6:157,207,646, A>G. VCF-style: chr6-157207646-A-G. GRCh37 (hg19) VCF-style: chr6-157528780-A-G.
Other names: c.6625A>G, p.Met2209Val (NM_001346813.1); c.4375A>G, p.Met1459Val (NM_001363725.2); c.6754A>G, p.Met2252Val (NM_001371656.1, NM_001374820.1); c.6715A>G, p.Met2239Val (NM_017519.3); c.6505A>G, p.Met2169Val (NM_020732.3); c.6292A>G, p.Met2098Val (NM_175863.2); short protein forms M1459V, M2098V, M2169V, M2209V, M2239V, M2252V, M2292V.
Identifiers: ClinVar variation 2497933 (VCV002497933.1), dbSNP rs2538792227, ClinGen allele CA366249248.